The following is an entry in ClinVar:

ClinVar aggregate classification (germline): Likely pathogenic (1 of 4 stars; one submission).

Conditions:
Peroxisome biogenesis disorder. Identifiers: Orphanet 79189, MedGen C1832200, MONDO:0019234. Disease mechanism: loss of function.

Submission:

Women's Health and Genetics/Laboratory Corporation of America, LabCorp
Classification: Likely pathogenic for Peroxisome biogenesis disorders, Zellweger syndrome spectrum. Last evaluated: 2018-10-05. Review status: criteria provided, single submitter. Criteria: LabCorp Variant Classification Summary - May 2015. Collection method: clinical testing. Allele origin: germline.
Comment: Variant summary: PEX12 c.445_454del10 (p.Ser149GlyfsX15) results in a premature termination codon, predicted to cause a truncation of the encoded protein or absence of the protein due to nonsense mediated decay, which are commonly known mechanisms for disease. Truncations downstream of this position have been classified as pathogenic by our laboratory (e.g. c.625C>T (p.Gln209X), c.730_733dupGCCT (p.Leu245fsX19), c.888_889delCT (p.Leu297fsX12)). The variant was absent in 277198 control chromosomes (gnomAD). c.445_454del10 has been reported in the literature in a heterozygous individual affected with Zellweger Syndrome (Ebberink 2010). To our knowledge, no experimental evidence demonstrating an impact on protein function has been reported. No clinical diagnostic laboratories have submitted clinical-significance assessments for this variant to ClinVar after 2014. Based on the evidence outlined above, the variant was classified as likely pathogenic.

Literature cited by the submitters: PubMed 21031596.

NM_000286.3(PEX12):c.445_454del (p.Ser149fs)

Gene: PEX12 (peroxisomal biogenesis factor 12; minus strand). Cytogenetic location: 17q12.
Variant type: Deletion.
Coding change: c.445_454del on transcript NM_000286.3 (MANE Select); coding-DNA positions 445 to 454, 10 bases deleted (TCTTCCCGCT; older notation c.445_454delTCTTCCCGCT).
Protein change: p.Ser149fs; shifts the reading frame from serine 149.
Molecular consequence: frameshift variant.
Genome position (GRCh38, 1-based): chr17:35,577,264-35,577,273, AGCGGGAAGA deleted on the plus strand (TCTTCCCGCT on the coding strand, the reverse complement: PEX12 is on the minus strand); deleting any 10 consecutive bases within chr17:35,577,264-35,577,275 gives the same sequence; the c. name uses the placement nearest the transcript's 3' end. VCF-style (leftmost placement, unchanged base first): chr17-35577263-CAGCGGGAAGA-C. GRCh37 (hg19) VCF-style: chr17-33904282-CAGCGGGAAGA-C.
Other names: short protein forms S149fs.
Identifiers: ClinVar variation 633349 (VCV000633349.1), dbSNP rs1567730901, ClinGen allele CA913190740.